The following is an entry in ClinVar:

ClinVar aggregate classification (germline): Uncertain significance (1 of 4 stars; one submission).

gnomAD v4.1: 2 of 1,614,202 alleles (0.00012%); highest among the groups gnomAD compares: Admixed American, 0.0017%; no homozygotes.

Submission:

Women's Health and Genetics/Laboratory Corporation of America, LabCorp
Classification: Uncertain significance. Last evaluated: 2024-09-25. Review status: criteria provided, single submitter. Criteria: LabCorp Variant Classification Summary - May 2015. Collection method: clinical testing. Allele origin: germline.
Comment: Variant summary: SOX6 c.1781G>A (p.Arg594His) results in a non-conservative amino acid change in the encoded protein sequence. Four of five in-silico tools predict a damaging effect of the variant on protein function. The variant allele was found at a frequency of 4e-06 in 251398 control chromosomes. The available data on variant occurrences in the general population are insufficient to allow any conclusion about variant significance. To our knowledge, no occurrence of c.1781G>A in individuals affected with Tolchin-Le Caignec Syndrome and no experimental evidence demonstrating its impact on protein function have been reported. No submitters have cited clinical-significance assessments for this variant to ClinVar. Based on the evidence outlined above, the variant was classified as uncertain significance.

NM_001367873.1(SOX6):c.1841G>A (p.Arg614His)

Gene: SOX6 (SRY-box transcription factor 6; minus strand). Cytogenetic location: 11p15.2.
Variant type: single nucleotide variant.
Coding change: c.1841G>A on transcript NM_001367873.1 (MANE Select); coding-DNA position 1841, G replaced by A.
Protein change: p.Arg614His; replaces arginine 614 with histidine.
Molecular consequence: missense variant.
Genome position (GRCh38, 1-based): chr11:15,989,122, C>T on the plus strand (G>A on the coding strand, the complement: SOX6 is on the minus strand). VCF-style: chr11-15989122-C-T. GRCh37 (hg19) VCF-style: chr11-16010668-C-T.
Other names: c.1760G>A, p.Arg587His (NM_001145811.2, NM_017508.3); c.1841G>A, p.Arg614His (NM_001145819.2); c.1718G>A, p.Arg573His (NM_001367872.1); c.1781G>A, p.Arg594His (NM_033326.3); short protein forms R573H, R587H, R594H, R614H.
Identifiers: ClinVar variation 3375210 (VCV003375210.1).